The following is an entry in ClinVar:

NM_015080.4(NRXN2):c.242T>A (p.Leu81Gln)

Gene: NRXN2 (neurexin 2; minus strand). Cytogenetic location: 11q13.1.
Variant type: single nucleotide variant.
Coding change: c.242T>A on transcript NM_015080.4 (MANE Select); coding-DNA position 242, T replaced by A.
Protein change: p.Leu81Gln; replaces leucine 81 with glutamine.
Molecular consequence: missense variant.
Genome position (GRCh38, 1-based): chr11:64,713,458, A>T on the plus strand (T>A on the coding strand, the complement: NRXN2 is on the minus strand). VCF-style: chr11-64713458-A-T. GRCh37 (hg19) VCF-style: chr11-64480930-A-T.
Other names: c.242T>A, p.Leu81Gln (NM_001376262.1, NM_001376263.1, NM_001376265.1 and 3 more transcripts); c.242T>A (NM_015080.3); short protein forms L81Q.
Identifiers: ClinVar variation 129831 (VCV000129831.12), dbSNP rs12273892, ClinGen allele CA154152.
Genomic context (GRCh38, chr11:64,713,458, plus strand): 5'-AGCGTGGCCGGCTCGGCGCACGAAAGCGTGAAGCGCAGCCGCAGGCGGCCGTCCACCAGC[A>T]GCAGCTCCAGGAAGTCGCAGTCGCCGCCGTCGTCCAGGTAGAGCAGCAGCGCGCGCGTGG-3'
Protein context (NP_055895.1, residues 71-91): DGGDCDFLEL[Leu81Gln]LVDGRLRLRF

ClinVar aggregate classification (germline): Benign. Review status: criteria provided, multiple submitters, no conflicts (2 of 4 stars). 4 submissions from 4 submitters: Benign (2). 2 of the submissions do not count toward it. Last evaluated 2021-06-10.

Conditions:
NRXN2-related disorder. Also called: NRXN2-related condition.

Allele frequency attached by ClinVar (database versions not stated): ESP Exome Variant Server 0.11655; gnomAD exomes 0.12910; TOPMed 0.16905; gnomAD 0.17576 and 0.17763; 1000 Genomes Project 0.17812; 1000 Genomes Project 30x 0.17833; ExAC 0.21396.
gnomAD v4.1: 234,577 of 1,526,614 alleles (15%); highest among the groups gnomAD compares: African/African-American, 23%; 18,955 homozygotes.

Submissions (4):

GeneDx
Classification: Benign. Last evaluated: 2021-06-10. Review status: criteria provided, single submitter. Criteria: GeneDx Variant Classification Process June 2021. Collection method: clinical testing. Allele origin: germline. Affected: yes.
Comment: This variant is associated with the following publications: (PMID: 33343614)

Breakthrough Genomics
Classification: Benign. Review status: criteria provided, single submitter. Criteria: ACMG Guidelines, 2015. Collection method: not provided. Allele origin: germline. Inheritance: Unknown mechanism. Affected: yes.

PreventionGenetics, part of Exact Sciences
Classification: Benign for NRXN2-related condition. Last evaluated: 2021-12-21. Review status: no assertion criteria provided. Collection method: clinical testing. Allele origin: germline. Not counted in ClinVar's aggregate classification.
Comment: This variant is classified as benign based on ACMG/AMP sequence variant interpretation guidelines (Richards et al. 2015 PMID: 25741868, with internal and published modifications).

Genetic Services Laboratory, University of Chicago
Classification: Likely benign for AllHighlyPenetrant. Review status: no assertion criteria provided. Collection method: clinical testing. Allele origin: germline. Inheritance: Autosomal dominant inheritance. Not counted in ClinVar's aggregate classification.
Comment: Likely benign based on allele frequency in 1000 Genomes Project or ESP global frequency and its presence in a patient with a rare or unrelated disease phenotype. NOT Sanger confirmed.